The following is an entry in ClinVar:

ClinVar aggregate classification (germline): Benign (0 of 4 stars; one submission).

Conditions:
MEG3-related disorder. Also called: MEG3-related condition.

Allele frequency attached by ClinVar (database versions not stated): 1000 Genomes Project 30x 0.22564; 1000 Genomes Project 0.23303; gnomAD exomes 0.25000; TOPMed 0.25551; gnomAD 0.26366.
gnomAD v4.1: 40,235 of 152,104 alleles (26%); highest among the groups gnomAD compares: Non-Finnish European, 34%; 6,169 homozygotes.

Submission:

PreventionGenetics, part of Exact Sciences
Classification: Benign for MEG3-related condition. Last evaluated: 2019-11-01. Review status: no assertion criteria provided. Collection method: clinical testing. Allele origin: germline.
Comment: This variant is classified as benign based on ACMG/AMP sequence variant interpretation guidelines (Richards et al. 2015 PMID: 25741868, with internal and published modifications).

NR_046473.1(MEG3):n.4528A>C

Gene: MEG3 (maternally expressed 3; plus strand). Cytogenetic location: 14q32.2.
Variant type: single nucleotide variant.
Molecular consequence: non-coding transcript variant (on NR_046473.1).
Genome position: GRCh38 VCF-style: chr14-100849144-A-C. GRCh37 (hg19) VCF-style: chr14-101315481-A-C.
Identifiers: ClinVar variation 3056978 (VCV003056978.2), dbSNP rs4900478, ClinGen allele CA14056264.